The following is an entry in ClinVar:

ClinVar aggregate classification (germline): Pathogenic (1 of 4 stars; one submission).

Conditions:
Myofibrillar myopathy 5. Also called: FILAMINOPATHY, AUTOSOMAL DOMINANT; Filaminopathy (type). Identifiers: Orphanet 171445, MedGen C1836050, MONDO:0012289, OMIM 609524.
Distal myopathy with posterior leg and anterior hand involvement. Also called: WILLIAMS DISTAL MYOPATHY. Identifiers: Orphanet 63273, MedGen C3279722, MONDO:0013550, OMIM 614065.
Hypertrophic cardiomyopathy 26. Also called: Cardiomyopathy, familial hypertrophic, 26. Identifiers: Orphanet 75249, MedGen C4310749, MONDO:0014883, OMIM 617047.

Submission:

Labcorp Genetics (formerly Invitae), Labcorp
Classification: Pathogenic for Distal myopathy with posterior leg and anterior hand involvement; Myofibrillar myopathy 5; Hypertrophic cardiomyopathy 26. Last evaluated: 2021-06-16. Review status: criteria provided, single submitter. Criteria: Invitae Variant Classification Sherloc (09022015). Collection method: clinical testing. Allele origin: germline.
Comment: This sequence change creates a premature translational stop signal (p.Gln1956*) in the FLNC gene. It is expected to result in an absent or disrupted protein product. Loss-of-function variants in FLNC are known to be pathogenic (PMID: 27908349). This variant is not present in population databases (ExAC no frequency). This variant has not been reported in the literature in individuals with FLNC-related conditions. For these reasons, this variant has been classified as Pathogenic.

Literature cited by the submitters: PubMed 27908349.

NM_001458.5(FLNC):c.5866C>T (p.Gln1956Ter)

Genes: FLNC-AS1 (FLNC antisense RNA 1; minus strand), FLNC (filamin C; plus strand). Cytogenetic location: 7q32.1.
Variant type: single nucleotide variant.
Coding change: c.5866C>T on transcript NM_001458.5 (MANE Select); coding-DNA position 5866, C replaced by T.
Protein change: p.Gln1956Ter; replaces glutamine 1956 with a stop codon.
Molecular consequence: nonsense.
Genome position (GRCh38, 1-based): chr7:128,852,614, C>T. VCF-style: chr7-128852614-C-T. GRCh37 (hg19) VCF-style: chr7-128492668-C-T.
Other names: c.5767C>T, p.Gln1923Ter (NM_001127487.2); short protein forms Q1923*, Q1956*.
Identifiers: ClinVar variation 1423971 (VCV001423971.6), dbSNP rs2128938768, ClinGen allele CA369208927.
Genomic context (GRCh38, chr7:128,852,614, plus strand): 5'-GAGTCATAGCAGCCTGATGCCCCAACTCCCCCACCAGGTGATGACTCCATGAGGACCTCA[C>T]AGCTGAATGTGGGCACCTCCACGGACGTGTCACTGAAGATCACCGAGAGTGATCTGAGCC-3'